The following is an entry in ClinVar:

NM_001008216.2(GALE):c.196dup (p.Asp66fs)

Gene: GALE (UDP-galactose-4-epimerase; minus strand). Cytogenetic location: 1p36.11.
Variant type: Duplication.
Coding change: c.196dup on transcript NM_001008216.2 (MANE Select); coding-DNA position 196, one base duplicated (G; older notation c.196dupG).
Protein change: p.Asp66fs; shifts the reading frame from aspartic acid 66.
Molecular consequence: frameshift variant.
Genome position (GRCh38, 1-based): chr1:23,798,656, C duplicated on the plus strand (G on the coding strand, the reverse complement: GALE is on the minus strand); the first of 2 consecutive C bases (chr1:23,798,656-23,798,657); duplicating either gives the same sequence. VCF-style (leftmost placement, unchanged base first): chr1-23798655-T-TC. GRCh37 (hg19) VCF-style: chr1-24125145-T-TC.
Other names: c.196dup, p.Asp66fs (NM_000403.4, NM_001127621.2); short protein forms D66fs.
Identifiers: ClinVar variation 2822494 (VCV002822494.3), dbSNP rs1639038679, ClinGen allele CA1158961657.

ClinVar aggregate classification (germline): Pathogenic (1 of 4 stars; one submission).

Conditions:
UDPglucose-4-epimerase deficiency. Also called: UDP-GALACTOSE-4-EPIMERASE DEFICIENCY; Galactose epimerase deficiency; GALACTOSEMIA III; GALE DEFICIENCY; UDPglucose 4-Epimerase Deficiency Disease; Epimerase Deficiency Galactosemia. Identifiers: Orphanet 352, Orphanet 79238, MedGen C0751161, MONDO:0009257, OMIM 230350.

Submission:

Labcorp Genetics (formerly Invitae), Labcorp
Classification: Pathogenic for UDPglucose-4-epimerase deficiency. Last evaluated: 2022-12-29. Review status: criteria provided, single submitter. Criteria: Invitae Variant Classification Sherloc (09022015). Collection method: clinical testing. Allele origin: germline.
Comment: This sequence change creates a premature translational stop signal (p.Asp66Glyfs*43) in the GALE gene. It is expected to result in an absent or disrupted protein product. Loss-of-function variants in GALE are known to be pathogenic (PMID: 16301867). This variant is not present in population databases (gnomAD no frequency). This variant has not been reported in the literature in individuals affected with GALE-related conditions. For these reasons, this variant has been classified as Pathogenic.

Literature cited by the submitters: PubMed 16301867.